The following is an entry in ClinVar:

NM_001360.3(DHCR7):c.690dup (p.Lys231fs)

Gene: DHCR7 (7-dehydrocholesterol reductase; minus strand). Cytogenetic location: 11q13.4.
Variant type: Duplication.
Coding change: c.690dup on transcript NM_001360.3 (MANE Select); coding-DNA position 690, one base duplicated (G; older notation c.690dupG).
Protein change: p.Lys231fs; shifts the reading frame from lysine 231.
Molecular consequence: frameshift variant.
Genome position (GRCh38, 1-based): chr11:71,439,020, C duplicated on the plus strand (G on the coding strand, the reverse complement: DHCR7 is on the minus strand); the first of 3 consecutive C bases (chr11:71,439,020-71,439,022); duplicating any one gives the same sequence. VCF-style (leftmost placement, unchanged base first): chr11-71439019-T-TC. GRCh37 (hg19) VCF-style: chr11-71150065-T-TC.
Other names: c.690dup, p.Lys231fs (NM_001163817.2, NM_001425109.1, NM_001425110.1 and 6 more transcripts); c.741dup, p.Lys248fs (NM_001425107.1); c.726dup, p.Lys243fs (NM_001425108.1); c.630dup, p.Lys211fs (NM_001425113.1); c.594dup, p.Lys199fs (NM_001425114.1, NM_001425116.1); c.516dup, p.Lys173fs (NM_001425117.1); short protein forms K173fs, K199fs, K211fs, K231fs, K243fs, K248fs.
Identifiers: ClinVar variation 5012313 (VCV005012313.1).

ClinVar aggregate classification (germline): Pathogenic (1 of 4 stars; one submission).

Conditions:
Smith-Lemli-Opitz syndrome (SLOS). Also called: LETHAL ACRODYSGENITAL SYNDROME; POLYDACTYLY, SEX REVERSAL, RENAL HYPOPLASIA, AND UNILOBAR LUNG; RSH SYNDROME; RUTLEDGE LETHAL MULTIPLE CONGENITAL ANOMALY SYNDROME; 7-Dehydrocholesterol reductase deficiency. Identifiers: Orphanet 818, MedGen C0175694, MONDO:0010035, OMIM 270400.

Submission:

Myriad Genetics, Inc.
Classification: Pathogenic for Smith-Lemli-Opitz syndrome. Last evaluated: 2023-09-27. Review status: criteria provided, single submitter. Criteria: Myriad Autosomal Dominant, Autosomal Recessive and X-Linked Classification Criteria (2023). Collection method: clinical testing. Allele origin: unknown.
Comment: NM_001360.2(DHCR7):c.690dupG(K231Efs*4) is expected to be pathogenic in the context of Smith-Lemli-Opitz syndrome. This variant is predicted to lead to an abnormal or absent protein product due to the creation of a premature termination codon in DHCR7, a gene where loss-of-function variants are known to be pathogenic. Please note: this variant was assessed in the context of healthy population screening.